The following is an entry in ClinVar:

ClinVar aggregate classification (germline): Likely benign (1 of 4 stars; one submission).

Allele frequency attached by ClinVar (database versions not stated): gnomAD exomes below 0.00001.
gnomAD v4.1: 2 of 1,613,560 alleles (0.00012%); highest among the groups gnomAD compares: Non-Finnish European, 0.00017%; no homozygotes.

Submission:

CeGaT Center for Human Genetics Tuebingen
Classification: Likely benign. Last evaluated: 2023-11-01. Review status: criteria provided, single submitter. Criteria: CeGaT Center For Human Genetics Tuebingen Variant Classification Criteria Version 2. Collection method: clinical testing. Allele origin: germline. Affected: yes. Observed: 1 variant allele.
Comment: CDH15: PM2:Supporting, BP4, BP7

NM_004933.3(CDH15):c.76A>C (p.Arg26=)

Gene: CDH15 (cadherin 15; plus strand). Cytogenetic location: 16q24.3.
Variant type: single nucleotide variant.
Coding change: c.76A>C on transcript NM_004933.3 (MANE Select); coding-DNA position 76, A replaced by C.
Protein change: p.Arg26=; no amino-acid change (arginine 26 retained).
Molecular consequence: synonymous variant.
Genome position (GRCh38, 1-based): chr16:89,179,449, A>C. VCF-style: chr16-89179449-A-C. GRCh37 (hg19) VCF-style: chr16-89245857-A-C.
Identifiers: ClinVar variation 2672663 (VCV002672663.23), dbSNP rs2543951675, ClinGen allele CA497144467.